The following is an entry in ClinVar:

ClinVar aggregate classification (germline): Uncertain significance (1 of 4 stars; one submission).

Conditions:
Birt-Hogg-Dube syndrome. Also called: Birt Hogg Dubé syndrome. Identifiers: Orphanet 122, MedGen C0346010, MONDO:0800444.

Submission:

Labcorp Genetics (formerly Invitae), Labcorp
Classification: Uncertain significance for Birt-Hogg-Dube syndrome. Last evaluated: 2024-11-08. Review status: criteria provided, single submitter. Criteria: Invitae Variant Classification Sherloc (09022015). Collection method: clinical testing. Allele origin: germline.
Comment: This sequence change replaces leucine, which is neutral and non-polar, with proline, which is neutral and non-polar, at codon 349 of the FLCN protein (p.Leu349Pro). This variant is not present in population databases (gnomAD no frequency). This variant has not been reported in the literature in individuals affected with FLCN-related conditions. Invitae Evidence Modeling of protein sequence and biophysical properties (such as structural, functional, and spatial information, amino acid conservation, physicochemical variation, residue mobility, and thermodynamic stability) indicates that this missense variant is not expected to disrupt FLCN protein function with a negative predictive value of 80%. In summary, the available evidence is currently insufficient to determine the role of this variant in disease. Therefore, it has been classified as a Variant of Uncertain Significance.

NM_144997.7(FLCN):c.1046T>C (p.Leu349Pro)

Gene: FLCN (folliculin; minus strand). Cytogenetic location: 17p11.2.
Variant type: single nucleotide variant.
Coding change: c.1046T>C on transcript NM_144997.7 (MANE Select); coding-DNA position 1046, T replaced by C.
Protein change: p.Leu349Pro; replaces leucine 349 with proline.
Molecular consequence: missense variant.
Genome position (GRCh38, 1-based): chr17:17,219,035, A>G on the plus strand (T>C on the coding strand, the complement: FLCN is on the minus strand). VCF-style: chr17-17219035-A-G. GRCh37 (hg19) VCF-style: chr17-17122349-A-G.
Other names: c.1100T>C, p.Leu367Pro (NM_001353229.2); c.1046T>C, p.Leu349Pro (NM_001353230.2, NM_001353231.2); short protein forms L349P, L367P.
Identifiers: ClinVar variation 3710326 (VCV003710326.2).
Genomic context (GRCh38, chr17:17,219,035, plus strand): 5'-GCTCTCCTCCTGAGCTCCTGATGCGCTGTGCCCCTGCCGCCTACCTGCCTCATGTGCCGG[A>G]GGGACTTGAAGACTGGCAGCTTCCGGGGCTGCCAGCTCCCACAGCCTGAGAGAGAGGAGG-3'
Protein context (NP_659434.2, residues 339-359): QPRKLPVFKS[Leu349Pro]RHMRQVLGAP